The following is an entry in ClinVar:

ClinVar aggregate classification (germline): association (1 of 4 stars; one submission).

Conditions:
Lip and oral cavity carcinoma. Identifiers: MedGen C0220641, MONDO:0023644.

Allele frequency attached by ClinVar (database versions not stated): TOPMed 0.11365; gnomAD 0.11483 and 0.11523; 1000 Genomes Project 0.12340; 1000 Genomes Project 30x 0.12477.
gnomAD v4.1: 17,492 of 151,966 alleles (12%); highest among the groups gnomAD compares: South Asian, 14%; 1,043 homozygotes.

Submission:

Department of Biological Science, Sunandan Divatia School of Science, NMIMS University
Classification: association for Lip and oral cavity carcinoma. Last evaluated: 2016-01-01. Review status: criteria provided, single submitter. Criteria: Submitter's publication. Collection method: case-control. Allele origin: inherited. Affected: yes. Observed: 359 variant alleles. Study: Association of SNP in FHIT (rs11130760) with Oral Cancer Risk.
Comment: A significant association of rs11130760 (FHIT) GG (odds ratio [OR] 1.41; 95% confidence interval [CI] 1.08-1.84) indicated increased risk. The SNP rs11130760 (FHIT) wild-type (WT) allele G indicated an increased risk for oral cancer (OR 1.38; 95% CI 1.09-1.73), whereas SNP allele T indicated a decreased risk (OR 0.73; 95% CI 0.58-0.92) for oral cancer.

The frequency of the homozygous WT genotype was higher in the oral cancer patients in comparison to controls implying an increased risk to oral cancer; while the WT allele was associated with increased risk and the SNP allele was increased with decreased risk to oral cancer

NM_002012.4(FHIT):c.104-196657C>A

Gene: FHIT (fragile histidine triad diadenosine triphosphatase; minus strand). Cytogenetic location: 3p14.2.
Variant type: single nucleotide variant.
Coding change: c.104-196657C>A on transcript NM_002012.4 (MANE Select); 196657 bases into the intron before coding-DNA position 104, C replaced by A.
Molecular consequence: intron variant.
Genome position (GRCh38, 1-based): chr3:60,210,809, G>T on the plus strand (C>A on the coding strand, the complement: FHIT is on the minus strand). VCF-style: chr3-60210809-G-T. GRCh37 (hg19) VCF-style: chr3-60196537-G-T.
Other names: c.104-196657C>A (NM_001354589.2, NM_001354590.2, NM_001166243.3 and 2 more transcripts).
Identifiers: ClinVar variation 431027 (VCV000431027.3), dbSNP rs11130760, ClinGen allele CA76036499.